The following is an entry in ClinVar:

ClinVar aggregate classification (germline): Pathogenic. Review status: criteria provided, multiple submitters, no conflicts (2 of 4 stars). 10 submissions from 10 submitters: Pathogenic (7). 3 of the submissions do not count toward it. Last evaluated 2026-08-05.

Conditions:
KAT6B-related disorder. Also called: KAT6B-related disorders; KAT6B-related condition.
Inborn genetic diseases. Identifiers: MedGen C0950123, MeSH D030342.
KAT6B-Related Spectrum Disorders. Identifiers: MedGen CN239406.
Genitopatellar syndrome (GTPTS). Also called: Genitopatellar syndrome (GPS); ABSENT PATELLAE, SCROTAL HYPOPLASIA, RENAL ANOMALIES, FACIAL DYSMORPHISM, AND MENTAL RETARDATION. Identifiers: Orphanet 85201, MedGen C1853566, MONDO:0011640, OMIM 606170.

Submissions (10):

PreventionGenetics, part of Exact Sciences
Classification: Pathogenic for KAT6B-related condition. Last evaluated: 2026-08-05. Review status: criteria provided, single submitter. Criteria: ACMG Guidelines, 2015. Collection method: clinical testing. Allele origin: germline.
Comment: The KAT6B c.3769_3772delTCTA variant is predicted to result in a frameshift and premature protein termination (p.Lys1258Glyfs*13). This variant has been reported in several individuals with genitopatellar syndrome and confirmed to be de novo in at least three patients (Campeau et al 2012. PubMed ID: 22265014; Table S4, Zhang et al 2020. PubMed ID: 32424177; Yabumoto et al. 2021. PubMed ID: 34519438). This variant has not been reported in a large population database (gnomAD), indicating this variant is rare. Frameshift variants in KAT6B are expected to be pathogenic. This variant is interpreted as pathogenic.

Women's Health and Genetics/Laboratory Corporation of America, LabCorp
Classification: Pathogenic for KAT6B-Related Spectrum Disorders. Last evaluated: 2025-11-06. Review status: criteria provided, single submitter. Criteria: LabCorp Variant Classification Summary - May 2015. Collection method: clinical testing. Allele origin: germline.
Comment: Variant summary: KAT6B c.3769_3772delTCTA (p.Lys1258GlyfsX13) results in a premature termination codon, predicted to cause a truncation of the encoded protein or absence of the protein due to nonsense mediated decay, which are commonly known mechanisms for disease. The variant was absent in 251478 control chromosomes. c.3769_3772delTCTA has been observed as a de novo variant in at least one individual affected with KAT6B-Related Spectrum Disorders (Campeau_2012). To our knowledge, no experimental evidence demonstrating an impact on protein function has been reported. The following publication have been ascertained in the context of this evaluation (PMID: 22265014). ClinVar contains an entry for this variant (Variation ID: 30530). Based on the evidence outlined above, the variant was classified as pathogenic.

GeneDx
Classification: Pathogenic. Last evaluated: 2025-07-18. Review status: criteria provided, single submitter. Criteria: GeneDx Variant Classification Process June 2021. Collection method: clinical testing. Allele origin: germline. Affected: yes.
Comment: Frameshift variant predicted to result in abnormal protein length as the last 816 amino acid(s) are replaced with 12 different amino acid(s), and other similar variants have been reported in HGMD; Not observed in large population cohorts (gnomAD); This variant is associated with the following publications: (PMID: 34519438, 12949978, 22265014, 32424177, 32908725, 33057194, 35904121, 35982159)

Ambry Genetics
Classification: Pathogenic for Inborn genetic diseases. Last evaluated: 2023-06-13. Review status: criteria provided, single submitter. Criteria: Ambry Variant Classification Scheme 2023. Collection method: clinical testing. Allele origin: germline.
Comment: The c.3769_3772delTCTA (p.K1258Gfs*13) alteration, located in exon 18 (coding exon 16) of the KAT6B gene, consists of a deletion of 4 nucleotides from position 3769 to 3772, causing a translational frameshift with a predicted alternate stop codon after 13 amino acids. This alteration occurs at the 3' terminus of the KAT6B gene, is not expected to trigger nonsense-mediated mRNA decay, and impacts the last 39.3% of the protein. Premature stop codons are typically deleterious in nature. Furthermore, the impacted region is critical for protein function and a significant portion of the protein is affected (Ambry internal data). This variant was not reported in population-based cohorts in the Genome Aggregation Database (gnomAD). This variant was reported in multiple individuals with features consistent with genitopatellar syndrome, including multiple cases of reported de novo occurrence (Simpson, 2012; Campeau, 2012; Gannon, 2015; Takahashi, 2020; Zhang, 2020; T&oslash;nne, 2021; Yabumoto, 2021). Functional studies of fibroblast cells from a patient with a heterozygous p.L1258Gfs*13 alteration showed a mature, but truncated KAT6B protein product. Additional studies showed a significant reduction in histone (H3 and H4) acetylation in patient fibroblasts compared to control samples, suggesting the truncated protein results in altered protein activity (Simpson, 2012). Based on the available evidence, this alteration is classified as pathogenic.

Labcorp Genetics (formerly Invitae), Labcorp
Classification: Pathogenic for Genitopatellar syndrome. Last evaluated: 2022-05-05. Review status: criteria provided, single submitter. Criteria: Invitae Variant Classification Sherloc (09022015). Collection method: clinical testing. Allele origin: germline.
Comment: For these reasons, this variant has been classified as Pathogenic. ClinVar contains an entry for this variant (Variation ID: 30530). This premature translational stop signal has been observed in individual(s) with genitopatellar syndrome (PMID: 12949978, 22265014, 25424711). In at least one individual the variant was observed to be de novo. This variant is not present in population databases (gnomAD no frequency). This sequence change creates a premature translational stop signal (p.Lys1258Glyfs*13) in the KAT6B gene. While this is not anticipated to result in nonsense mediated decay, it is expected to disrupt the last 816 amino acid(s) of the KAT6B protein.

Department of Medical Genetics, Oslo University Hospital
Classification: Pathogenic for Genitopatellar syndrome. Last evaluated: 2019-06-03. Review status: criteria provided, single submitter. Criteria: ACMG Guidelines, 2015. Collection method: clinical testing. Allele origin: de novo. Affected: yes. Observed: 1 variant allele, 1 heterozygote.

Mendelics
Classification: Pathogenic for Genitopatellar syndrome. Last evaluated: 2019-05-28. Review status: criteria provided, single submitter. Criteria: Mendelics Assertion Criteria 2017. Collection method: clinical testing. Allele origin: unknown.

OMIM
Classification: Pathogenic for GENITOPATELLAR SYNDROME. Last evaluated: 2012-02-10. Review status: no assertion criteria provided. Collection method: literature only. Allele origin: germline. Not counted in ClinVar's aggregate classification.

GeneReviews
No classification provided. Condition: Genitopatellar syndrome. Review status: no classification provided. Collection method: literature only. Allele origin: germline. Not counted in ClinVar's aggregate classification.

Lee Lab(KAT6B), Baylor College of Medicine
No classification provided. Review status: no classification provided. Collection method: not provided. Allele origin: unknown. Not counted in ClinVar's aggregate classification.

Literature cited by the submitters: PubMed 22265014 (cited by 4 submitters); PubMed 22265017 (cited by 3 submitters); PubMed 25424711 (cited by 3 submitters); PubMed 32424177 (cited by Ambry Genetics); PubMed 32908725 (cited by Ambry Genetics); PubMed 33288889 (cited by Ambry Genetics); PubMed 34519438 (cited by Ambry Genetics); PubMed 12949978 (cited by Labcorp Genetics (formerly Invitae), Labcorp and OMIM); PubMed 22715153 (cited by GeneReviews); PubMed 23236640 (cited by GeneReviews).

NM_012330.4(KAT6B):c.3769_3772del (p.Lys1258fs)

Gene: KAT6B (lysine acetyltransferase 6B; plus strand). Cytogenetic location: 10q22.2.
Variant type: Microsatellite.
Coding change: c.3769_3772del on transcript NM_012330.4 (MANE Select); coding-DNA positions 3769 to 3772, 4 bases deleted (TCTA; older notation c.3769_3772delTCTA).
Protein change: p.Lys1258fs; shifts the reading frame from lysine 1258.
Molecular consequence: frameshift variant.
Genome position (GRCh38, 1-based): chr10:75,028,593-75,028,596, TCTA deleted; deleting any 4 consecutive bases within chr10:75,028,589-75,028,596 gives the same sequence; the c. name uses the placement nearest the transcript's 3' end. VCF-style (leftmost placement, unchanged base first): chr10-75028588-GTCTA-G. GRCh37 (hg19) VCF-style: chr10-76788346-GTCTA-G.
Other names: c.3769_3772del (NM_012330.3); c.3220_3223del, p.Lys1075fs (NM_001256468.2, NM_001370138.1); c.2893_2896del, p.Lys966fs (NM_001256469.2, NM_001370139.1, NM_001370140.1 and 2 more transcripts); c.2731_2734del, p.Lys912fs (NM_001370132.1); c.2080_2083del, p.Lys695fs (NM_001370133.1); c.1684_1687del, p.Lys563fs (NM_001370134.1); c.1426_1429del, p.Lys477fs (NM_001370135.1); c.3769_3772del, p.Lys1258fs (NM_001370136.1, NM_001370137.1); and 2 more; short protein forms K912fs, K966fs, K695fs, K903fs, K477fs, K1075fs, K1258fs, K563fs.
Identifiers: ClinVar variation 30530 (VCV000030530.22), dbSNP rs199470470, ClinGen allele CA232607.